The following is an entry in ClinVar:

NM_014714.4(IFT140):c.3004C>T (p.Gln1002Ter)

Genes: IFT140 (intraflagellar transport 140; minus strand), LOC126862260 (CDK7 strongly-dependent group 2 enhancer GRCh37_chr16:1574508-1575707; plus strand). Cytogenetic location: 16p13.3.
Variant type: single nucleotide variant.
Coding change: c.3004C>T on transcript NM_014714.4 (MANE Select); coding-DNA position 3004, C replaced by T.
Protein change: p.Gln1002Ter; replaces glutamine 1002 with a stop codon.
Molecular consequence: nonsense.
Genome position (GRCh38, 1-based): chr16:1,524,689, G>A on the plus strand (C>T on the coding strand, the complement: IFT140 is on the minus strand). VCF-style: chr16-1524689-G-A. GRCh37 (hg19) VCF-style: chr16-1574690-G-A.
Other names: short protein forms Q1002*.
Identifiers: ClinVar variation 5038217 (VCV005038217.1).
Genomic context (GRCh38, chr16:1,524,689, plus strand): 5'-TCTCGTACTGGCGGGCGAGGTGGTAGGAGGCCGCCAGGTTTCCTGTCTCGTTGGCTATTT[G>A]CGCAGCCTAGAAAGACAAAGAACCCAAAGACGAGACACGGTGGCCTTGTGTCTGCCTCGT-3'

ClinVar aggregate classification (germline): Pathogenic (1 of 4 stars; one submission).

Conditions:
Polycystic kidney disease 9, susceptibility to. Identifiers: MedGen C6012712, MONDO:0976267, OMIM 621164.

Submission:

MVZ Medizinische Genetik Mainz
Classification: Pathogenic for Polycystic kidney disease 9, susceptibility to. Last evaluated: 2025-08-22. Review status: criteria provided, single submitter. Criteria: UK Practice Guidelines For Variant Classification V4 01 2020. Collection method: clinical testing. Allele origin: germline. Inheritance: Autosomal dominant inheritance. Affected: yes. Observed: 1 variant allele.
Comment: ACMG Criteria: PVS1,PM2_SUP,PP4